The following is an entry in ClinVar:

ClinVar aggregate classification (germline): Uncertain significance (1 of 4 stars; one submission).

Conditions:
DYRK1A-related intellectual disability syndrome (MRD7). Also called: DYRK1A Syndrome; Intellectual developmental disorder, autosomal dominant 7. Identifiers: Orphanet 464306, MedGen C5568143, MONDO:0013578, OMIM 614104.

Allele frequency attached by ClinVar (database versions not stated): gnomAD 0.00001.
gnomAD v4.1: 2 of 1,613,626 alleles (0.00012%); highest among the groups gnomAD compares: African/African-American, 0.0013%; no homozygotes.

Submission:

Labcorp Genetics (formerly Invitae), Labcorp
Classification: Uncertain significance for DYRK1A-related intellectual disability syndrome. Last evaluated: 2024-02-16. Review status: criteria provided, single submitter. Criteria: Invitae Variant Classification Sherloc (09022015). Collection method: clinical testing. Allele origin: germline.
Comment: This sequence change replaces valine, which is neutral and non-polar, with methionine, which is neutral and non-polar, at codon 70 of the DYRK1A protein (p.Val70Met). This variant is not present in population databases (gnomAD no frequency). This variant has not been reported in the literature in individuals affected with DYRK1A-related conditions. ClinVar contains an entry for this variant (Variation ID: 1473046). An algorithm developed to predict the effect of missense changes on protein structure and function (PolyPhen-2) suggests that this variant is likely to be tolerated. Algorithms developed to predict the effect of sequence changes on RNA splicing suggest that this variant may disrupt the consensus splice site. In summary, the available evidence is currently insufficient to determine the role of this variant in disease. Therefore, it has been classified as a Variant of Uncertain Significance.

NM_001347721.2(DYRK1A):c.208-27G>A

Gene: DYRK1A (dual specificity tyrosine phosphorylation regulated kinase 1A; plus strand). Cytogenetic location: 21q22.13.
Variant type: single nucleotide variant.
Coding change: c.208-27G>A on transcript NM_001347721.2 (MANE Select); 27 bases into the intron before coding-DNA position 208, G replaced by A.
Molecular consequence: intron variant. On other transcripts: missense variant (3).
Genome position (GRCh38, 1-based): chr21:37,478,181, G>A. VCF-style: chr21-37478181-G-A. GRCh37 (hg19) VCF-style: chr21-38850483-G-A.
Other names: c.208G>A, p.Val70Met (NM_001396.5, NM_101395.2, NM_130438.2); c.208-27G>A (NM_001347722.2, NM_130436.2); c.121-27G>A (NM_001347723.2); short protein forms V70M.
Identifiers: ClinVar variation 1473046 (VCV001473046.6), dbSNP rs2052469601, ClinGen allele CA409943200.